The following is an entry in ClinVar:

NM_005898.5(CAPRIN1):c.170T>C (p.Ile57Thr)

Genes: CAPRIN1 (cell cycle associated protein 1; plus strand), LOC101929918 (uncharacterized LOC101929918; minus strand). Cytogenetic location: 11p13.
Variant type: single nucleotide variant.
Coding change: c.170T>C on transcript NM_005898.5 (MANE Select); coding-DNA position 170, T replaced by C.
Protein change: p.Ile57Thr; replaces isoleucine 57 with threonine.
Molecular consequence: missense variant.
Genome position (GRCh38, 1-based): chr11:34,052,590, T>C. VCF-style: chr11-34052590-T-C. GRCh37 (hg19) VCF-style: chr11-34074137-T-C.
Other names: c.170T>C, p.Ile57Thr (NM_203364.3); short protein forms I57T.
Identifiers: ClinVar variation 3899051 (VCV003899051.1).

ClinVar aggregate classification (germline): Uncertain significance (1 of 4 stars; one submission).

Submission:

GeneDx
Classification: Uncertain significance. Last evaluated: 2024-11-07. Review status: criteria provided, single submitter. Criteria: GeneDx Variant Classification Process June 2021. Collection method: clinical testing. Allele origin: germline. Affected: yes.
Comment: Not observed at significant frequency in large population cohorts (gnomAD); In silico analysis supports that this missense variant has a deleterious effect on protein structure/function; Has not been previously published as pathogenic or benign to our knowledge